The following is an entry in ClinVar:

ClinVar aggregate classification (germline): Uncertain significance (1 of 4 stars; one submission).

Submission:

CeGaT Center for Human Genetics Tuebingen
Classification: Uncertain significance. Last evaluated: 2022-12-01. Review status: criteria provided, single submitter. Criteria: CeGaT Center For Human Genetics Tuebingen Variant Classification Criteria Version 2. Collection method: clinical testing. Allele origin: germline. Affected: yes. Observed: 1 variant allele.
Comment: FGFR1: PM1, PM2

NM_023110.3(FGFR1):c.814A>T (p.Asn272Tyr)

Gene: FGFR1 (fibroblast growth factor receptor 1; minus strand). Cytogenetic location: 8p11.23.
Variant type: single nucleotide variant.
Coding change: c.814A>T on transcript NM_023110.3 (MANE Select); coding-DNA position 814, A replaced by T.
Protein change: p.Asn272Tyr; replaces asparagine 272 with tyrosine.
Molecular consequence: missense variant.
Genome position (GRCh38, 1-based): chr8:38,424,631, T>A on the plus strand (A>T on the coding strand, the complement: FGFR1 is on the minus strand). VCF-style: chr8-38424631-T-A. GRCh37 (hg19) VCF-style: chr8-38282149-T-A.
Other names: c.814A>T, p.Asn272Tyr (NM_000604.2, NM_001174063.2); c.790A>T, p.Asn264Tyr (NM_001174064.2); c.808A>T, p.Asn270Tyr (NM_001174065.2, NM_001354367.2, NM_001354369.2 and 2 more transcripts); c.547A>T, p.Asn183Tyr (NM_001174066.2, NM_023105.3); c.907A>T, p.Asn303Tyr (NM_001174067.2); c.541A>T, p.Asn181Tyr (NM_001354368.2, NM_001354370.2, NM_023106.3); short protein forms N181Y, N183Y, N264Y, N270Y, N272Y, N303Y.
Identifiers: ClinVar variation 1879708 (VCV001879708.29), dbSNP rs2537100612, ClinGen allele CA370735046.